The following is an entry in ClinVar:

NM_015272.5(RPGRIP1L):c.*55T>A

Gene: RPGRIP1L (RPGRIP1 like; minus strand). Cytogenetic location: 16q12.2.
Variant type: single nucleotide variant.
Coding change: c.*55T>A on transcript NM_015272.5 (MANE Select); 55 bases downstream of the stop codon, T replaced by A.
Molecular consequence: 3 prime UTR variant.
Genome position (GRCh38, 1-based): chr16:53,602,021, A>T on the plus strand (T>A on the coding strand, the complement: RPGRIP1L is on the minus strand). VCF-style: chr16-53602021-A-T. GRCh37 (hg19) VCF-style: chr16-53635933-A-T.
Other names: c.*55T>A (NM_001127897.4, NM_001308334.3, NM_001330538.2).
Identifiers: ClinVar variation 319645 (VCV000319645.12), dbSNP rs4784319, ClinGen allele CA10643787.

ClinVar aggregate classification (germline): Benign. Review status: criteria provided, multiple submitters, no conflicts (2 of 4 stars). 7 submissions from 4 submitters: Benign (7). Last evaluated 2021-07-10.

Conditions:
Joubert syndrome 7 (JBTS7). Identifiers: Orphanet 220497, MedGen C1969053, MONDO:0012694, OMIM 611560.
Nephronophthisis 8. Identifiers: MedGen CN119610.
Meckel syndrome, type 5 (MKS5). Identifiers: Orphanet 564, MedGen C1969052, MONDO:0012695, OMIM 611561.

Allele frequency attached by ClinVar (database versions not stated): gnomAD exomes 0.30635; gnomAD 0.37955 and 0.38217; TOPMed 0.39494; 1000 Genomes Project 30x 0.47299; 1000 Genomes Project 0.47704.
gnomAD v4.1: 320,422 of 1,003,926 alleles (32%); highest among the groups gnomAD compares: African/African-American, 60%; 57,543 homozygotes.

Submissions (7):

Genome-Nilou Lab
Classification: Benign for Joubert syndrome 7. Last evaluated: 2021-07-10. Review status: criteria provided, single submitter. Criteria: ACMG Guidelines, 2015. Collection method: clinical testing. Allele origin: germline. Affected: no.

Genome-Nilou Lab
Classification: Benign for Meckel syndrome, type 5. Last evaluated: 2021-07-10. Review status: criteria provided, single submitter. Criteria: ACMG Guidelines, 2015. Collection method: clinical testing. Allele origin: germline. Affected: no.

GeneDx
Classification: Benign. Last evaluated: 2018-06-14. Review status: criteria provided, single submitter. Criteria: GeneDx Variant Classification Process June 2021. Collection method: clinical testing. Allele origin: germline. Affected: yes.

Illumina Laboratory Services, Illumina
Classification: Benign for Nephronophthisis 8. Last evaluated: 2018-01-13. Review status: criteria provided, single submitter. Criteria: ICSL Variant Classification Criteria 13 December 2019. Collection method: clinical testing. Allele origin: germline.
Comment: This variant was observed in the ICSL laboratory as part of a predisposition screen in an ostensibly healthy population. It had not been previously curated by ICSL or reported in the Human Gene Mutation Database (HGMD: prior to June 1st, 2018), and was therefore a candidate for classification through an automated scoring system. Utilizing variant allele frequency, disease prevalence and penetrance estimates, and inheritance mode, an automated score was calculated to assess if this variant is too frequent to cause the disease. Based on the score and internal cut-off values, a variant classified as benign is not then subjected to further curation. The score for this variant resulted in a classification of benign for this disease.

Illumina Laboratory Services, Illumina
Classification: Benign for Joubert syndrome 7. Last evaluated: 2018-01-13. Review status: criteria provided, single submitter. Criteria: ICSL Variant Classification Criteria 13 December 2019. Collection method: clinical testing. Allele origin: germline.
Comment: the same text as in the submission from Illumina Laboratory Services, Illumina above.

Illumina Laboratory Services, Illumina
Classification: Benign for Meckel syndrome, type 5. Last evaluated: 2018-01-13. Review status: criteria provided, single submitter. Criteria: ICSL Variant Classification Criteria 13 December 2019. Collection method: clinical testing. Allele origin: germline.
Comment: the same text as in the submission from Illumina Laboratory Services, Illumina above.

Breakthrough Genomics
Classification: Benign. Review status: criteria provided, single submitter. Criteria: ACMG Guidelines, 2015. Collection method: not provided. Allele origin: germline. Inheritance: Autosomal recessive inheritance. Affected: yes.